The following is an entry in ClinVar:

NM_004387.4(NKX2-5):c.283C>T (p.Arg95Cys)

Gene: NKX2-5 (NK2 homeobox 5; minus strand). Cytogenetic location: 5q35.1.
Variant type: single nucleotide variant.
Coding change: c.283C>T on transcript NM_004387.4 (MANE Select); coding-DNA position 283, C replaced by T.
Protein change: p.Arg95Cys; replaces arginine 95 with cysteine.
Molecular consequence: missense variant.
Genome position (GRCh38, 1-based): chr5:173,234,801, G>A on the plus strand (C>T on the coding strand, the complement: NKX2-5 is on the minus strand). VCF-style: chr5-173234801-G-A. GRCh37 (hg19) VCF-style: chr5-172661804-G-A.
Other names: c.283C>T, p.Arg95Cys (NM_001166175.2, NM_001166176.2); short protein forms R95C.
Identifiers: ClinVar variation 4827084 (VCV004827084.1).

ClinVar aggregate classification (germline): Uncertain significance (1 of 4 stars; one submission).

Conditions:
Cardiovascular phenotype. Identifiers: MedGen CN230736.

gnomAD v4.1: 8 of 1,583,006 alleles (0.00051%); highest among the groups gnomAD compares: South Asian, 0.0012%; no homozygotes.

Submission:

Ambry Genetics
Classification: Uncertain significance for Cardiovascular phenotype. Last evaluated: 2026-03-12. Review status: criteria provided, single submitter. Criteria: Ambry Variant Classification Scheme 2023. Collection method: clinical testing. Allele origin: germline.
Comment: The p.R95C variant (also known as c.283C>T), located in coding exon 1 of the NKX2-5 gene, results from a C to T substitution at nucleotide position 283. The arginine at codon 95 is replaced by cysteine, an amino acid with highly dissimilar properties. This amino acid position is conserved. In addition, this alteration is predicted to be tolerated by in silico analysis. Based on the available evidence, the clinical significance of this variant remains unclear.